The following is an entry in ClinVar:

ClinVar aggregate classification (germline): Uncertain significance. Review status: criteria provided, multiple submitters, no conflicts (2 of 4 stars). 2 submissions from 2 submitters: Uncertain significance (2). Last evaluated 2022-09-05.

Allele frequency attached by ClinVar (database versions not stated): gnomAD exomes below 0.00001 and 0.00001; TOPMed 0.00002; gnomAD 0.00003.
gnomAD v4.1: 17 of 1,604,652 alleles (0.0011%); highest among the groups gnomAD compares: Non-Finnish European, 0.0014%; no homozygotes.

Submissions (2):

Blueprint Genetics
Classification: Uncertain significance. Last evaluated: 2022-09-05. Review status: criteria provided, single submitter. Criteria: ACMG Guidelines, 2015. Collection method: clinical testing. Allele origin: germline.

Labcorp Genetics (formerly Invitae), Labcorp
Classification: Uncertain significance. Last evaluated: 2021-08-31. Review status: criteria provided, single submitter. Criteria: Invitae Variant Classification Sherloc (09022015). Collection method: clinical testing. Allele origin: germline.
Comment: This sequence change replaces proline with leucine at codon 48 of the NOTCH3 protein (p.Pro48Leu). The proline residue is highly conserved and there is a moderate physicochemical difference between proline and leucine. This variant is not present in population databases (ExAC no frequency). This missense change has been observed in individual(s) with clinical features of NOTCH3-related conditions (Invitae). Advanced modeling of protein sequence and biophysical properties (such as structural, functional, and spatial information, amino acid conservation, physicochemical variation, residue mobility, and thermodynamic stability) performed at Invitae indicates that this missense variant is not expected to disrupt NOTCH3 protein function. In summary, the available evidence is currently insufficient to determine the role of this variant in disease. Therefore, it has been classified as a Variant of Uncertain Significance.

NM_000435.3(NOTCH3):c.143C>T (p.Pro48Leu)

Gene: NOTCH3 (notch receptor 3; minus strand). Cytogenetic location: 19p13.12.
Variant type: single nucleotide variant.
Coding change: c.143C>T on transcript NM_000435.3 (MANE Select); coding-DNA position 143, C replaced by T.
Protein change: p.Pro48Leu; replaces proline 48 with leucine.
Molecular consequence: missense variant.
Genome position (GRCh38, 1-based): chr19:15,197,554, G>A on the plus strand (C>T on the coding strand, the complement: NOTCH3 is on the minus strand). VCF-style: chr19-15197554-G-A. GRCh37 (hg19) VCF-style: chr19-15308365-G-A.
Other names: short protein forms P48L.
Identifiers: ClinVar variation 1409389 (VCV001409389.6), dbSNP rs1362111590, ClinGen allele CA404483413.
Genomic context (GRCh38, chr19:15,197,554, plus strand): 5'-ACTCACAGGCAGGCAGCCTCCCGGGAGGGCAGCTGGGTGCAACGACCTCCATTTGCACAC[G>A]GGCTTCCGTCCAGGCAAGGGGGGGCTGTGTGGGGGTGAAGGAAGGTGGAGGATCAGCCAG-3'
Protein context (NP_000426.2, residues 38-58): AAAPPCLDGS[Pro48Leu]CANGGRCTQL